The following is an entry in ClinVar:

NM_001377540.1(SLMAP):c.836T>C (p.Leu279Pro)

Gene: SLMAP (sarcolemma associated protein; plus strand). Cytogenetic location: 3p14.3.
Variant type: single nucleotide variant.
Coding change: c.836T>C on transcript NM_001377540.1 (MANE Select); coding-DNA position 836, T replaced by C.
Protein change: p.Leu279Pro; replaces leucine 279 with proline.
Molecular consequence: missense variant. On other transcripts: non-coding transcript variant (1).
Genome position (GRCh38, 1-based): chr3:57,861,956, T>C. VCF-style: chr3-57861956-T-C. GRCh37 (hg19) VCF-style: chr3-57847683-T-C.
Other names: c.836T>C, p.Leu279Pro (NM_001304420.3, NM_001304421.2, NM_001377538.1 and 17 more transcripts); short protein forms L279P.
Identifiers: ClinVar variation 4696596 (VCV004696596.1).
Genomic context (GRCh38, chr3:57,861,956, plus strand): 5'-AATAACAAATATACACTTATTCTAATTAAATTGCCTGTAAACTTGAATCGCAGCGAAGTC[T>C]GAGTAATACTGAAGATGAATGTACCCATCTGAAAGAAATGAATGAAAGGACTCAGGAAGA-3'
Protein context (NP_001364469.1, residues 269-289): VRKLSEVERS[Leu279Pro]SNTEDECTHL

ClinVar aggregate classification (germline): Uncertain significance (1 of 4 stars; one submission).

Conditions:
Brugada syndrome. Also called: Sudden unexpected nocturnal death syndrome; Sudden Unexplained Death Syndrome; Sudden Unexplained Nocturnal Death Syndrome (SUNDS); Sudden unexplained nocturnal death syndrome. Identifiers: Orphanet 130, MedGen C1142166, MONDO:0015263.

Submission:

Labcorp Genetics (formerly Invitae), Labcorp
Classification: Uncertain significance for Brugada syndrome. Last evaluated: 2025-02-17. Review status: criteria provided, single submitter. Criteria: Invitae Variant Classification Sherloc (09022015). Collection method: clinical testing. Allele origin: germline.
Comment: This sequence change replaces leucine, which is neutral and non-polar, with proline, which is neutral and non-polar, at codon 279 of the SLMAP protein (p.Leu279Pro). This variant is not present in population databases (gnomAD no frequency). This variant has not been reported in the literature in individuals affected with SLMAP-related conditions. An algorithm developed to predict the effect of missense changes on protein structure and function (PolyPhen-2) suggests that this variant is likely to be disruptive. In summary, the available evidence is currently insufficient to determine the role of this variant in disease. Therefore, it has been classified as a Variant of Uncertain Significance.